The following is an entry in ClinVar:

NM_004655.4(AXIN2):c.974A>T (p.Tyr325Phe)

Gene: AXIN2 (axin 2; minus strand). Cytogenetic location: 17q24.1.
Variant type: single nucleotide variant.
Coding change: c.974A>T on transcript NM_004655.4 (MANE Select); coding-DNA position 974, A replaced by T.
Protein change: p.Tyr325Phe; replaces tyrosine 325 with phenylalanine.
Molecular consequence: missense variant.
Genome position (GRCh38, 1-based): chr17:65,541,540, T>A on the plus strand (A>T on the coding strand, the complement: AXIN2 is on the minus strand). VCF-style: chr17-65541540-T-A. GRCh37 (hg19) VCF-style: chr17-63537658-T-A.
Other names: c.974A>T, p.Tyr325Phe (NM_001363813.1); c.974A>T (NM_004655.3); short protein forms Y325F.
Identifiers: ClinVar variation 1479425 (VCV001479425.7), dbSNP rs1567759403, ClinGen allele CA400679364.

ClinVar aggregate classification (germline): Uncertain significance. Review status: criteria provided, multiple submitters, no conflicts (2 of 4 stars). 2 submissions from 2 submitters: Uncertain significance (2). Last evaluated 2025-02-28.

Conditions:
Hereditary cancer-predisposing syndrome. Also called: Tumor predisposition; Hereditary Cancer Syndrome; Hereditary neoplastic syndrome; Neoplastic Syndromes, Hereditary. Identifiers: Orphanet 140162, MedGen C0027672, MeSH D009386, MONDO:0015356.
Oligodontia-cancer predisposition syndrome. Also called: TOOTH AGENESIS-COLORECTAL CANCER SYNDROME. Identifiers: Orphanet 300576, MedGen C1837750, MONDO:0012075, OMIM 608615. Disease mechanism: loss of function.

Allele frequency attached by ClinVar (database versions not stated): gnomAD exomes below 0.00001.

Submissions (2):

Ambry Genetics
Classification: Uncertain significance for Hereditary cancer-predisposing syndrome. Last evaluated: 2025-02-28. Review status: criteria provided, single submitter. Criteria: Ambry Variant Classification Scheme 2023. Collection method: clinical testing. Allele origin: germline.
Comment: The p.Y325F variant (also known as c.974A>T), located in coding exon 3 of the AXIN2 gene, results from an A to T substitution at nucleotide position 974. The tyrosine at codon 325 is replaced by phenylalanine, an amino acid with highly similar properties. This amino acid position is conserved. In addition, the in silico prediction for this alteration is inconclusive. Based on the available evidence, the clinical significance of this variant remains unclear.

Labcorp Genetics (formerly Invitae), Labcorp
Classification: Uncertain significance for Oligodontia-cancer predisposition syndrome. Last evaluated: 2024-01-24. Review status: criteria provided, single submitter. Criteria: Invitae Variant Classification Sherloc (09022015). Collection method: clinical testing. Allele origin: germline.
Comment: This sequence change replaces tyrosine, which is neutral and polar, with phenylalanine, which is neutral and non-polar, at codon 325 of the AXIN2 protein (p.Tyr325Phe). This variant is present in population databases (no rsID available, gnomAD 0.006%). This variant has not been reported in the literature in individuals affected with AXIN2-related conditions. ClinVar contains an entry for this variant (Variation ID: 1479425). Advanced modeling of protein sequence and biophysical properties (such as structural, functional, and spatial information, amino acid conservation, physicochemical variation, residue mobility, and thermodynamic stability) has been performed at Invitae for this missense variant, however the output from this modeling did not meet the statistical confidence thresholds required to predict the impact of this variant on AXIN2 protein function. In summary, the available evidence is currently insufficient to determine the role of this variant in disease. Therefore, it has been classified as a Variant of Uncertain Significance.